The following is an entry in ClinVar:

NM_000368.5(TSC1):c.2425G>C (p.Glu809Gln)

Gene: TSC1 (TSC complex subunit 1; minus strand). Cytogenetic location: 9q34.13.
Variant type: single nucleotide variant.
Coding change: c.2425G>C on transcript NM_000368.5 (MANE Select); coding-DNA position 2425, G replaced by C.
Protein change: p.Glu809Gln; replaces glutamic acid 809 with glutamine.
Molecular consequence: missense variant.
Genome position (GRCh38, 1-based): chr9:132,901,666, C>G on the plus strand (G>C on the coding strand, the complement: TSC1 is on the minus strand). VCF-style: chr9-132901666-C-G. GRCh37 (hg19) VCF-style: chr9-135777053-C-G.
Other names: c.2422G>C, p.Glu808Gln (NM_001162426.2); c.2272G>C, p.Glu758Gln (NM_001162427.2); c.2062G>C, p.Glu688Gln (NM_001362177.2); short protein forms E809Q, E688Q, E808Q, E758Q.
Identifiers: ClinVar variation 48954 (VCV000048954.43), dbSNP rs118203692, ClinGen allele CA006422.

ClinVar aggregate classification (germline): Benign/Likely benign. Review status: criteria provided, multiple submitters, no conflicts (2 of 4 stars). 11 submissions from 11 submitters: Benign (3); Likely benign (7). 1 of the submissions does not count toward it. Last evaluated 2026-01-24.

Conditions:
TSC1-related disorder. Also called: TSC1-related condition.
Hereditary cancer-predisposing syndrome. Also called: Hereditary Cancer Syndrome; Tumor predisposition; Neoplastic Syndromes, Hereditary; Hereditary neoplastic syndrome. Identifiers: Orphanet 140162, MedGen C0027672, MeSH D009386, MONDO:0015356.
Tuberous sclerosis syndrome (TSC). Also called: Tuberous Sclerosis Complex; Tuberous sclerosis. Identifiers: Orphanet 805, MedGen C0041341, MONDO:0001734.
Tuberous sclerosis 1 (TSC1). Identifiers: Orphanet 805, MedGen C1854465, MONDO:0008612, OMIM 191100.

Allele frequency attached by ClinVar (database versions not stated): gnomAD exomes 0.00006; ExAC 0.00007; TOPMed 0.00007; gnomAD 0.00011; ESP Exome Variant Server 0.00015.
gnomAD v4.1: 229 of 1,613,994 alleles (0.014%); highest among the groups gnomAD compares: Non-Finnish European, 0.019%; no homozygotes.

Submissions (11):

Labcorp Genetics (formerly Invitae), Labcorp
Classification: Benign for Tuberous sclerosis 1. Last evaluated: 2026-01-24. Review status: criteria provided, single submitter. Criteria: Invitae Variant Classification Sherloc (09022015). Collection method: clinical testing. Allele origin: germline.

CeGaT Center for Human Genetics Tuebingen
Classification: Likely benign. Last evaluated: 2025-09-01. Review status: criteria provided, single submitter. Criteria: CeGaT Center For Human Genetics Tuebingen Variant Classification Criteria Version 2. Collection method: clinical testing. Allele origin: germline. Affected: yes. Observed: 1 variant allele.
Comment: TSC1: PP2, BP4, BS2

Myriad Genetics, Inc.
Classification: Likely benign for Tuberous sclerosis 1. Last evaluated: 2025-04-25. Review status: criteria provided, single submitter. Criteria: Myriad Autosomal Dominant, Autosomal Recessive and X-Linked Classification Criteria (2023). Collection method: clinical testing. Allele origin: unknown.
Comment: This variant is considered likely benign. This variant has been observed at a population frequency that is significantly greater than expected given the associated disease prevalence and penetrance.

PreventionGenetics, part of Exact Sciences
Classification: Likely benign for TSC1-related condition. Last evaluated: 2025-01-07. Review status: criteria provided, single submitter. Criteria: ACMG Guidelines, 2015. Collection method: clinical testing. Allele origin: germline.
Comment: This variant is classified as likely benign based on ACMG/AMP sequence variant interpretation guidelines (Richards et al. 2015 PMID: 25741868, with internal and published modifications).

Blueprint Genetics
Classification: Likely benign. Last evaluated: 2024-09-03. Review status: criteria provided, single submitter. Criteria: ACMG Guidelines, 2015. Collection method: clinical testing. Allele origin: germline.

Color Diagnostics, LLC DBA Color Health
Classification: Likely benign for Tuberous sclerosis syndrome. Last evaluated: 2022-08-16. Review status: criteria provided, single submitter. Criteria: ACMG Guidelines, 2015. Collection method: clinical testing. Allele origin: germline.

Genome-Nilou Lab
Classification: Benign for Tuberous sclerosis 1. Last evaluated: 2021-11-07. Review status: criteria provided, single submitter. Criteria: ACMG Guidelines, 2015. Collection method: clinical testing. Allele origin: germline. Affected: no.

Sema4
Classification: Benign for Hereditary cancer-predisposing syndrome. Last evaluated: 2021-02-04. Review status: criteria provided, single submitter. Criteria: Sema4 Curation Guidelines. Collection method: curation. Allele origin: germline.

GeneDx
Classification: Likely benign. Last evaluated: 2020-12-02. Review status: criteria provided, single submitter. Criteria: GeneDx Variant Classification Process June 2021. Collection method: clinical testing. Allele origin: germline. Affected: yes.
Comment: This variant is associated with the following publications: (PMID: 9863590)

Ambry Genetics
Classification: Likely benign for Hereditary cancer-predisposing syndrome. Last evaluated: 2018-10-24. Review status: criteria provided, single submitter. Criteria: Ambry Variant Classification Scheme 2023. Collection method: clinical testing. Allele origin: germline.

Tuberous sclerosis database (TSC1)
No classification provided. Condition: TSC. Review status: no classification provided. Criteria: Tuberous Sclerosis Database Assertion Criteria 2015. Collection method: curation. Allele origin: germline. Affected: yes. Not counted in ClinVar's aggregate classification.

Literature cited by the submitters: PubMed 21520333 (cited by Ambry Genetics).